The following is an entry in ClinVar:

ClinVar aggregate classification (germline): Conflicting classifications of pathogenicity. Review status: criteria provided, conflicting classifications (1 of 4 stars). 7 submissions from 7 submitters: Uncertain significance (6); Likely benign (1). Last evaluated 2026-01-06.

Conditions:
Inborn genetic diseases. Identifiers: MedGen C0950123, MeSH D030342.
Alport syndrome. Also called: Hemorrhagic familial nephritis; Hemorrhagic hereditary nephritis; Congenital hereditary hematuria. Identifiers: Orphanet 63, MedGen C1567741, MONDO:0018965.
Alport syndrome 3b, autosomal recessive. Identifiers: MedGen C5882699, MONDO:0957811, OMIM 620536.
Hematuria, benign familial, 2 (BFH2). Identifiers: MedGen C5830421, MONDO:0958186, OMIM 620320.
Autosomal dominant Alport syndrome (ATS3A). Also called: Alport syndrome dominant type; Renal failure and sensorineural hearing loss; ALPORT SYNDROME 3A, AUTOSOMAL DOMINANT. Identifiers: Orphanet 63, Orphanet 88918, MedGen C5882663, MONDO:0007086, OMIM 104200.
COL4A3-related disorder. Also called: COL4A3-Related Disorders; COL4A3-related condition.

Allele frequency attached by ClinVar (database versions not stated): gnomAD exomes 0.00001 and 0.00007; ExAC 0.00008; gnomAD 0.00009 and 0.00010; TOPMed 0.00009; 1000 Genomes Project 30x 0.00016; 1000 Genomes Project 0.00020.

Submissions (7):

Labcorp Genetics (formerly Invitae), Labcorp
Classification: Likely benign. Last evaluated: 2026-01-06. Review status: criteria provided, single submitter. Criteria: Invitae Variant Classification Sherloc (09022015). Collection method: clinical testing. Allele origin: germline.

PreventionGenetics, part of Exact Sciences
Classification: Uncertain significance for COL4A3-related condition. Last evaluated: 2025-07-24. Review status: criteria provided, single submitter. Criteria: ACMG Guidelines, 2015. Collection method: clinical testing. Allele origin: germline.
Comment: The COL4A3 c.3255G>A variant is predicted to result in the amino acid substitution p.Met1085Ile. To our knowledge, this variant has not been reported in the literature. This variant is reported in 0.077% of alleles in individuals of East Asian descent in gnomAD. Although we suspect that this variant may be benign, at this time, the clinical significance of this variant is uncertain due to the absence of conclusive functional and genetic evidence.

GeneDx
Classification: Uncertain significance. Last evaluated: 2025-06-18. Review status: criteria provided, single submitter. Criteria: GeneDx Variant Classification Process June 2021. Collection method: clinical testing. Allele origin: germline.
Comment: In silico analysis suggests that this missense variant does not alter protein structure/function; Occurs in the triple helical domain at the Y position in the canonical Gly-X-Y repeat; although this variant may have an effect on normal protein folding and function, missense substitution at the Y position is not a common mechanism of disease; This variant is associated with the following publications: (PMID: Diep2025[CaseReport])

Ambry Genetics
Classification: Uncertain significance for Inborn genetic diseases. Last evaluated: 2024-10-20. Review status: criteria provided, single submitter. Criteria: Ambry Variant Classification Scheme 2023. Collection method: clinical testing. Allele origin: germline.

Revvity Omics, Revvity
Classification: Uncertain significance. Last evaluated: 2024-08-16. Review status: criteria provided, single submitter. Criteria: ACMG Guidelines, 2015. Collection method: clinical testing. Allele origin: germline.

Fulgent Genetics
Classification: Uncertain significance for Autosomal dominant Alport syndrome; Hematuria, benign familial, 2; Alport syndrome 3b, autosomal recessive. Last evaluated: 2024-06-21. Review status: criteria provided, single submitter. Criteria: ACMG Guidelines, 2015. Collection method: clinical testing. Allele origin: germline.

Department of Pathology and Laboratory Medicine, Sinai Health System
Classification: Uncertain significance for Alport syndrome. Last evaluated: 2022-10-23. Review status: criteria provided, single submitter. Criteria: ACMG Guidelines, 2015. Collection method: research. Allele origin: germline.

NM_000091.5(COL4A3):c.3255G>A (p.Met1085Ile)

Genes: COL4A3 (collagen type IV alpha 3 chain; plus strand), MFF-DT (MFF divergent transcript; minus strand). Cytogenetic location: 2q36.3.
Variant type: single nucleotide variant.
Coding change: c.3255G>A on transcript NM_000091.5 (MANE Select); coding-DNA position 3255, G replaced by A.
Protein change: p.Met1085Ile; replaces methionine 1085 with isoleucine.
Molecular consequence: missense variant.
Genome position (GRCh38, 1-based): chr2:227,293,235, G>A. VCF-style: chr2-227293235-G-A. GRCh37 (hg19) VCF-style: chr2-228157951-G-A.
Other names: c.3255G>A (NM_000091.4); short protein forms M1085I.
Identifiers: ClinVar variation 1097697 (VCV001097697.15), dbSNP rs374427586, ClinGen allele CA2147166.